The following is an entry in ClinVar:

NM_002471.4(MYH6):c.5528G>A (p.Arg1843Lys)

Gene: MYH6 (myosin heavy chain 6; minus strand). Cytogenetic location: 14q11.2.
Variant type: single nucleotide variant.
Coding change: c.5528G>A on transcript NM_002471.4 (MANE Select); coding-DNA position 5528, G replaced by A.
Protein change: p.Arg1843Lys; replaces arginine 1843 with lysine.
Molecular consequence: missense variant.
Genome position (GRCh38, 1-based): chr14:23,384,479, C>T on the plus strand (G>A on the coding strand, the complement: MYH6 is on the minus strand). VCF-style: chr14-23384479-C-T. GRCh37 (hg19) VCF-style: chr14-23853688-C-T.
Other names: short protein forms R1843K.
Identifiers: ClinVar variation 4614626 (VCV004614626.1).

ClinVar aggregate classification (germline): Uncertain significance (1 of 4 stars; one submission).

Conditions:
Cardiovascular phenotype. Identifiers: MedGen CN230736.

gnomAD v4.1: 2 of 1,612,652 alleles (0.00012%); highest among the groups gnomAD compares: Non-Finnish European, 0.00017%; no homozygotes.

Submission:

Ambry Genetics
Classification: Uncertain significance for Cardiovascular phenotype. Last evaluated: 2025-12-11. Review status: criteria provided, single submitter. Criteria: Ambry Variant Classification Scheme 2023. Collection method: clinical testing. Allele origin: germline.
Comment: The p.R1843K variant (also known as c.5528G>A), located in coding exon 34 of the MYH6 gene, results from a G to A substitution at nucleotide position 5528. The arginine at codon 1843 is replaced by lysine, an amino acid with highly similar properties. This amino acid position is conserved. In addition, the in silico prediction for this alteration is inconclusive. Based on the available evidence, the clinical significance of this variant remains unclear.